The following is an entry in ClinVar:

NM_000702.4(ATP1A2):c.2102del (p.Gly701fs)

Gene: ATP1A2 (ATPase Na+/K+ transporting subunit alpha 2; plus strand). Cytogenetic location: 1q23.2.
Variant type: Deletion.
Coding change: c.2102del on transcript NM_000702.4 (MANE Select); coding-DNA position 2102, one base deleted (G; older notation c.2102delG).
Protein change: p.Gly701fs; shifts the reading frame from glycine 701.
Molecular consequence: frameshift variant.
Genome position (GRCh38, 1-based): chr1:160,135,282, G deleted; the last of 3 consecutive G bases (chr1:160,135,280-160,135,282); deleting any one gives the same sequence. VCF-style (leftmost placement, unchanged base first): chr1-160135279-AG-A. GRCh37 (hg19) VCF-style: chr1-160105069-AG-A.
Other names: short protein forms G701fs.
Identifiers: ClinVar variation 420823 (VCV000420823.3), dbSNP rs1064794725, ClinGen allele CA16617011.

ClinVar aggregate classification (germline): Pathogenic/Likely pathogenic. Review status: criteria provided, multiple submitters, no conflicts (2 of 4 stars). 2 submissions from 2 submitters: Pathogenic (1); Likely pathogenic (1). Last evaluated 2025-11-12.

Conditions:
Familial hemiplegic migraine. Identifiers: MedGen C0338484, MONDO:0000700.

Submissions (2):

Labcorp Genetics (formerly Invitae), Labcorp
Classification: Pathogenic for Familial hemiplegic migraine. Last evaluated: 2025-11-12. Review status: criteria provided, single submitter. Criteria: Invitae Variant Classification Sherloc (09022015). Collection method: clinical testing. Allele origin: germline.
Comment: This sequence change creates a premature translational stop signal (p.Gly701Aspfs*11) in the ATP1A2 gene. It is expected to result in an absent or disrupted protein product. Loss-of-function variants in ATP1A2 are known to be pathogenic (PMID: 30690204). This variant is not present in population databases (gnomAD no frequency). This variant has not been reported in the literature in individuals affected with ATP1A2-related conditions. ClinVar contains an entry for this variant (Variation ID: 420823). For these reasons, this variant has been classified as Pathogenic.

GeneDx
Classification: Likely pathogenic. Last evaluated: 2016-04-11. Review status: criteria provided, single submitter. Criteria: GeneDx Variant Classification (06012015). Collection method: clinical testing. Allele origin: germline. Affected: yes.
Comment: A novel c.2102delG variant that is likely pathogenic has been identified in the ATP1A2 gene. The c.2102delG variant causes a frameshift starting with codon Glycine 701, changes this amino acid to an Aspartic acid residue and creates a premature Stop codon at position 11 of the new reading frame, denoted p.Gly701AspfsX11. This variant is predicted to cause loss of normal protein function either through protein truncation or nonsense-mediated mRNA decay. It was not observed in approximately 6,500 individuals of European and African American ancestry in the NHLBI Exome Sequencing Project, indicating it is not a common benign variant in these populations. Although this variant has not been previously reported to our knowledge, other downstream loss-of-function variants have been reported in the Human Gene Mutation Database in association with ATP1A2-related disorders (Stenson et al., 2014). Therefore, this variant is likely pathogenic; however, the possibility that it is benign cannot be excluded.

Literature cited by the submitters: PubMed 30690204 (cited by Labcorp Genetics (formerly Invitae), Labcorp).